The following is an entry in ClinVar:

NM_004333.6(BRAF):c.1802A>T (p.Lys601Ile)

Gene: BRAF (B-Raf proto-oncogene, serine/threonine kinase; minus strand). Cytogenetic location: 7q34.
Variant type: single nucleotide variant.
Coding change: c.1802A>T on transcript NM_004333.6 (MANE Select); coding-DNA position 1802, A replaced by T.
Protein change: p.Lys601Ile; replaces lysine 601 with isoleucine.
Molecular consequence: missense variant.
Genome position (GRCh38, 1-based): chr7:140,753,333, T>A on the plus strand (A>T on the coding strand, the complement: BRAF is on the minus strand). VCF-style: chr7-140753333-T-A. GRCh37 (hg19) VCF-style: chr7-140453133-T-A.
Other names: c.1802A>T, p.Lys601Ile (NM_001354609.2, NM_001378468.1, NM_001378474.1); c.1922A>T, p.Lys641Ile (NM_001374244.1, NM_001374258.1); c.1811A>T, p.Lys604Ile (NM_001378467.1); c.1736A>T, p.Lys579Ile (NM_001378469.1); c.1700A>T, p.Lys567Ile (NM_001378470.1); c.1691A>T, p.Lys564Ile (NM_001378471.1); c.1646A>T, p.Lys549Ile (NM_001378472.1, NM_001378473.1); c.1538A>T, p.Lys513Ile (NM_001378475.1); short protein forms K601I, K513I, K549I, K564I, K567I, K579I, K604I, K641I.
Identifiers: ClinVar variation 40390 (VCV000040390.15), dbSNP rs397507484, ClinGen allele CA282001.

ClinVar aggregate classification (germline): Pathogenic/Likely pathogenic. Review status: criteria provided, multiple submitters, no conflicts (2 of 4 stars). 7 submissions from 7 submitters: Pathogenic (3); Likely pathogenic (2). 2 of the submissions do not count toward it. Last evaluated 2025-09-27.

Conditions:
Cardio-facio-cutaneous syndrome. Also called: Cardiofaciocutaneous syndrome; CFC syndrome. Identifiers: Orphanet 1340, MedGen C1275081, MONDO:0015280. Disease mechanism: gain of function.
LEOPARD syndrome 3 (LPRD3). Identifiers: Orphanet 500, MedGen C3150971, MONDO:0013380, OMIM 613707.
Noonan syndrome 7 (NS7). Also called: BRAF-Related Noonan Syndrome. Identifiers: Orphanet 648, MedGen C3150970, MONDO:0013379, OMIM 613706.
Cardiofaciocutaneous syndrome 1 (CFC1). Also called: BRAF-Related Cardiofaciocutaneous Syndrome. Identifiers: Orphanet 1340, MedGen CN029449, MONDO:0007265, OMIM 115150. Disease mechanism: gain of function.
RASopathy. Also called: Noonan spectrum disorder; rasopathies. Identifiers: Orphanet 536391, MedGen C5555857, MONDO:0021060.

Submissions (7):

Labcorp Genetics (formerly Invitae), Labcorp
Classification: Pathogenic for RASopathy. Last evaluated: 2025-09-27. Review status: criteria provided, single submitter. Criteria: Invitae Variant Classification Sherloc (09022015). Collection method: clinical testing. Allele origin: germline.
Comment: This sequence change replaces lysine, which is basic and polar, with isoleucine, which is neutral and non-polar, at codon 601 of the BRAF protein (p.Lys601Ile). This variant is not present in population databases (gnomAD no frequency). This missense change has been observed in individuals with cardiofaciocutaneous syndrome (PMID: 24451042, 28650561). ClinVar contains an entry for this variant (Variation ID: 40390). Invitae Evidence Modeling of protein sequence and biophysical properties (such as structural, functional, and spatial information, amino acid conservation, physicochemical variation, residue mobility, and thermodynamic stability) indicates that this missense variant is expected to disrupt BRAF protein function with a positive predictive value of 80%. This variant disrupts the p.Lys601 amino acid residue in BRAF. Other variant(s) that disrupt this residue have been determined to be pathogenic (internal data). This suggests that this residue is clinically significant, and that variants that disrupt this residue are likely to be disease-causing. For these reasons, this variant has been classified as Pathogenic.

Genetics and Molecular Pathology, SA Pathology
Classification: Pathogenic for Cardiofaciocutaneous syndrome 1; Noonan syndrome 7; LEOPARD syndrome 3. Last evaluated: 2024-06-14. Review status: criteria provided, single submitter. Criteria: ACMG Guidelines, 2015. Collection method: clinical testing. Allele origin: germline. Affected: yes.

Institute for Clinical Genetics, University Hospital TU Dresden, University Hospital TU Dresden
Classification: Likely pathogenic. Last evaluated: 2022-05-04. Review status: criteria provided, single submitter. Criteria: ACMG Guidelines, 2015. Collection method: clinical testing. Allele origin: germline.

3billion
Classification: Pathogenic for Cardiofaciocutaneous syndrome 1. Last evaluated: 2022-03-22. Review status: criteria provided, single submitter. Criteria: ACMG Guidelines, 2015. Collection method: clinical testing. Allele origin: germline. Affected: yes. Observed: 1 heterozygote.
Comment: Same or different nucleotide change resulting in same amino acid change has been previously reported to be associated with [GeneName] related disorder (ClinVar ID: VCV000040390, PMID:24451042). The variant has been previously reported as de novo in a similarly affected individual (PMID: 25533962). A different missense change at the same codon has been reported as pathogenic/likely pathogenic with strong evidence (ClinVar ID: VCV000013966,VCV000041446, PMID:19206169). The variant is located in a mutational hot spot and/or well-established functional domain in which established pathogenic variants have been reported. In silico tool predictions suggest damaging effect of the variant on gene or gene product(REVEL: 0.943>=0.6). A missense variant is a common mechanism associated with Cardiofaciocutaneous syndrome. It is not observed in the gnomAD v2.1.1 dataset. Therefore, this variant is classified as pathogenic according to the recommendation of ACMG/AMP guideline.

Neuberg Centre For Genomic Medicine, NCGM
Classification: Likely pathogenic for Noonan syndrome 7. Review status: criteria provided, single submitter. Criteria: ACMG Guidelines, 2015. Collection method: clinical testing. Allele origin: germline. Affected: yes.
Comment: The missense variant p.K601I in BRAF (NM_004333.4) has been reported to ClinVar as Likely Pathogenic(de novo in origin). The p.K601I variant is novel (not in any individuals) in gnomAD Exomes and is novel (not in any individuals) in 1000 Genomes. There is a moderate physicochemical difference between lysine and isoleucine. The p.K601I missense variant is predicted to be damaging by both SIFT and PolyPhen2. The lysine residue at codon 601 of BRAF is conserved in all mammalian species. The nucleotide c.1802 in BRAF is predicted conserved by GERP++ and PhyloP across 100 vertebrates. For these reasons, this variant has been classified as Uncertain Significance.

Baylor Genetics
Classification: Likely pathogenic for Rasopathy. Review status: no assertion criteria provided. Collection method: clinical testing. Allele origin: de novo. Affected: yes. Not counted in ClinVar's aggregate classification.
Comment: Variant classified using ACMG guidelines

Service de Génétique Moléculaire, Hôpital Robert Debré
Classification: Likely pathogenic for Cardio-facio-cutaneous syndrome. Review status: no assertion criteria provided. Collection method: clinical testing. Allele origin: de novo, unknown. Affected: yes. Observed: 3 variant alleles. Not counted in ClinVar's aggregate classification.

Literature cited by the submitters: PubMed 24451042 (cited by Labcorp Genetics (formerly Invitae), Labcorp); PubMed 28650561 (cited by Labcorp Genetics (formerly Invitae), Labcorp); PubMed 19206169 (cited by 3billion); PubMed 25533962 (cited by 3billion).